The following is an entry in ClinVar:

ClinVar aggregate classification (germline): Uncertain significance (1 of 4 stars; one submission).

Conditions:
Pitt-Hopkins syndrome (PTHS). Also called: ENCEPHALOPATHY, SEVERE EPILEPTIC, WITH AUTONOMIC DYSFUNCTION; MENTAL RETARDATION, SYNDROMAL, WITH INTERMITTENT HYPERVENTILATION. Identifiers: Orphanet 2896, MedGen C1970431, MONDO:0012589, OMIM 610954.

Submission:

Labcorp Genetics (formerly Invitae), Labcorp
Classification: Uncertain significance for Pitt-Hopkins syndrome. Last evaluated: 2024-06-09. Review status: criteria provided, single submitter. Criteria: Invitae Variant Classification Sherloc (09022015). Collection method: clinical testing. Allele origin: germline.
Comment: This sequence change replaces leucine, which is neutral and non-polar, with valine, which is neutral and non-polar, at codon 85 of the TCF4 protein (p.Leu85Val). This variant is not present in population databases (gnomAD no frequency). This variant has not been reported in the literature in individuals affected with TCF4-related conditions. Advanced modeling of protein sequence and biophysical properties (such as structural, functional, and spatial information, amino acid conservation, physicochemical variation, residue mobility, and thermodynamic stability) performed at Invitae indicates that this missense variant is not expected to disrupt TCF4 protein function with a negative predictive value of 95%. In summary, the available evidence is currently insufficient to determine the role of this variant in disease. Therefore, it has been classified as a Variant of Uncertain Significance.

NM_001083962.2(TCF4):c.253C>G (p.Leu85Val)

Genes: TCF4 (transcription factor 4; minus strand), TCF4-AS1 (TCF4 antisense RNA 1; plus strand). Cytogenetic location: 18q21.2.
Variant type: single nucleotide variant.
Coding change: c.253C>G on transcript NM_001083962.2 (MANE Select); coding-DNA position 253, C replaced by G.
Protein change: p.Leu85Val; replaces leucine 85 with valine.
Molecular consequence: missense variant.
Genome position (GRCh38, 1-based): chr18:55,461,070, G>C on the plus strand (C>G on the coding strand, the complement: TCF4 is on the minus strand). VCF-style: chr18-55461070-G-C. GRCh37 (hg19) VCF-style: chr18-53128301-G-C.
Other names: c.181C>G, p.Leu61Val (NM_001348219.2, NM_001348220.1, NM_001369575.1 and 15 more transcripts); c.253C>G, p.Leu85Val (NM_001369567.1, NM_001369568.1, NM_001369569.1 and 8 more transcripts); c.559C>G, p.Leu187Val (NM_001243226.3); c.247C>G, p.Leu83Val (NM_001243230.2); c.127C>G, p.Leu43Val (NM_001243231.2, NM_001348211.2); short protein forms L187V, L43V, L61V, L85V, L83V.
Identifiers: ClinVar variation 3637596 (VCV003637596.2).
Genomic context (GRCh38, chr18:55,461,070, plus strand): 5'-GGGTCTTACTTTGTATTCTGGAATTGACAAAAGGTGGAGAGAGATTGTCATGTGACCCAA[G>C]GTCCCTGCTGGTCATGTGGTCATAGGGAGTCCCATCTCCATAGTTCTGTAAATAAAATGA-3'
Protein context (NP_001077431.1, residues 75-95): TPYDHMTSRD[Leu85Val]GSHDNLSPPF